The following is an entry in ClinVar:

NM_001267550.2(TTN):c.64195G>A (p.Asp21399Asn)

Genes: TTN-AS1 (TTN antisense RNA 1; plus strand), TTN (titin; minus strand). Cytogenetic location: 2q31.2.
Variant type: single nucleotide variant.
Coding change: c.64195G>A on transcript NM_001267550.2 (MANE Select); coding-DNA position 64195, G replaced by A.
Protein change: p.Asp21399Asn; replaces aspartic acid 21399 with asparagine.
Molecular consequence: missense variant.
Genome position (GRCh38, 1-based): chr2:178,586,706, C>T on the plus strand (G>A on the coding strand, the complement: TTN is on the minus strand). VCF-style: chr2-178586706-C-T. GRCh37 (hg19) VCF-style: chr2-179451433-C-T.
Other names: p.D19758N:GAT>AAT; c.59272G>A, p.Asp19758Asn (NM_001256850.1); c.37000G>A, p.Asp12334Asn (NM_003319.4); c.56491G>A, p.Asp18831Asn (NM_133378.4); c.37375G>A, p.Asp12459Asn (NM_133432.3); c.37576G>A, p.Asp12526Asn (NM_133437.4); short protein forms D19758N, D21399N, D18831N, D12334N, D12459N, D12526N.
Identifiers: ClinVar variation 202780 (VCV000202780.8), dbSNP rs749018114, ClinGen allele CA310264.

ClinVar aggregate classification (germline): Conflicting classifications of pathogenicity. Review status: criteria provided, conflicting classifications (1 of 4 stars). 7 submissions from 3 submitters: Uncertain significance (3); Likely benign (4). Last evaluated 2022-02-22.

Conditions:
Cardiomyopathy (CMYO). Also called: Cardiomyopathies. Identifiers: Orphanet 167848, MedGen C0878544, MONDO:0004994, HP:0001638. Inheritance: Various modes of inheritance.
Myopathy, myofibrillar, 9, with early respiratory failure (MFM9). Also called: EDSTROM MYOPATHY; MYOPATHY, PROXIMAL, WITH EARLY RESPIRATORY MUSCLE INVOLVEMENT; Myopathy, distal, with early respiratory failure, autosomal dominant; Hereditary myopathy with early respiratory failure. Identifiers: Orphanet 178464, Orphanet 34521, MedGen C1863599, MONDO:0011362, OMIM 603689.
Early-onset myopathy with fatal cardiomyopathy (CMYO5). Also called: CONGENITAL MYOPATHY 5 WITH CARDIOMYOPATHY; Salih Myopathy. Identifiers: Orphanet 289377, MedGen C2673677, MONDO:0012714, OMIM 611705. Disease mechanism: loss of function.
Autosomal recessive limb-girdle muscular dystrophy type 2J (LGMDR10). Also called: MUSCULAR DYSTROPHY, LIMB-GIRDLE, AUTOSOMAL RECESSIVE 10; Limb-girdle muscular dystrophy, type 2J. Identifiers: Orphanet 140922, MedGen C1837342, MONDO:0012127, OMIM 608807.
Tibial muscular dystrophy (TMD). Also called: UDD MYOPATHY; Tibial muscular dystrophy, tardive; Udd Distal Myopathy – Tibial Muscular Dystrophy. Identifiers: Orphanet 609, MedGen C1838244, MONDO:0010870, OMIM 600334.
Dilated cardiomyopathy 1G (CMD1G). Identifiers: Orphanet 154, MedGen C1858763, MONDO:0011400, OMIM 604145.

Allele frequency attached by ClinVar (database versions not stated): gnomAD exomes 0.00002 and 0.00003; ExAC 0.00003; gnomAD 0.00003; TOPMed 0.00003.
gnomAD v4.1: 43 of 1,612,950 alleles (0.0027%); highest among the groups gnomAD compares: Non-Finnish European, 0.0031%; no homozygotes.

Submissions (7):

CHEO Genetics Diagnostic Laboratory, Children's Hospital of Eastern Ontario
Classification: Likely benign for Cardiomyopathy. Last evaluated: 2022-02-22. Review status: criteria provided, single submitter. Criteria: ACMG Guidelines, 2015. Collection method: clinical testing. Allele origin: germline.

GeneDx
Classification: Likely benign. Last evaluated: 2019-06-21. Review status: criteria provided, single submitter. Criteria: GeneDx Variant Classification Process June 2021. Collection method: clinical testing. Allele origin: germline. Affected: yes.
Comment: This variant is associated with the following publications: (PMID: 31983221)

Illumina Laboratory Services, Illumina
Classification: Uncertain significance for Dilated cardiomyopathy 1G. Last evaluated: 2018-01-13. Review status: criteria provided, single submitter. Criteria: ICSL Variant Classification Criteria 13 December 2019. Collection method: clinical testing. Allele origin: germline.

Illumina Laboratory Services, Illumina
Classification: Likely benign for Tibial muscular dystrophy. Last evaluated: 2018-01-13. Review status: criteria provided, single submitter. Criteria: ICSL Variant Classification Criteria 13 December 2019. Collection method: clinical testing. Allele origin: germline.
Comment: This variant was observed in the ICSL laboratory as part of a predisposition screen in an ostensibly healthy population. It had not been previously curated by ICSL or reported in the Human Gene Mutation Database (HGMD: prior to June 1st, 2018), and was therefore a candidate for classification through an automated scoring system. Utilizing variant allele frequency, disease prevalence and penetrance estimates, and inheritance mode, an automated score was calculated to assess if this variant is too frequent to cause the disease. Based on the score and internal cut-off values, a variant classified as likely benign is not then subjected to further curation. The score for this variant resulted in a classification of likely benign for this disease.

Illumina Laboratory Services, Illumina
Classification: Likely benign for Myopathy, myofibrillar, 9, with early respiratory failure. Last evaluated: 2018-01-13. Review status: criteria provided, single submitter. Criteria: ICSL Variant Classification Criteria 13 December 2019. Collection method: clinical testing. Allele origin: germline.
Comment: the same text as in the submission from Illumina Laboratory Services, Illumina above.

Illumina Laboratory Services, Illumina
Classification: Uncertain significance for Autosomal recessive limb-girdle muscular dystrophy type 2J. Last evaluated: 2018-01-13. Review status: criteria provided, single submitter. Criteria: ICSL Variant Classification Criteria 13 December 2019. Collection method: clinical testing. Allele origin: germline.

Illumina Laboratory Services, Illumina
Classification: Uncertain significance for Early-onset myopathy with fatal cardiomyopathy. Last evaluated: 2018-01-13. Review status: criteria provided, single submitter. Criteria: ICSL Variant Classification Criteria 13 December 2019. Collection method: clinical testing. Allele origin: germline.